The following is an entry in ClinVar:

ClinVar aggregate classification (germline): Uncertain significance. Review status: criteria provided, single submitter (1 of 4 stars). 2 submissions from 2 submitters: Uncertain significance (1). 1 of the submissions does not count toward it. Last evaluated 2025-04-17.

Conditions:
Smith-Lemli-Opitz syndrome (SLOS). Also called: LETHAL ACRODYSGENITAL SYNDROME; POLYDACTYLY, SEX REVERSAL, RENAL HYPOPLASIA, AND UNILOBAR LUNG; RSH SYNDROME; RUTLEDGE LETHAL MULTIPLE CONGENITAL ANOMALY SYNDROME; 7-Dehydrocholesterol reductase deficiency. Identifiers: Orphanet 818, MedGen C0175694, MONDO:0010035, OMIM 270400.

Submissions (2):

Women's Health and Genetics/Laboratory Corporation of America, LabCorp
Classification: Uncertain significance. Last evaluated: 2025-04-17. Review status: criteria provided, single submitter. Criteria: LabCorp Variant Classification Summary - May 2015. Collection method: clinical testing. Allele origin: germline.
Comment: Variant summary: DHCR7 c.536C>T (p.Pro179Leu) results in a non-conservative amino acid change in the encoded protein sequence. Four of five in-silico tools predict a damaging effect of the variant on protein function. The variant was absent in 250974 control chromosomes. The available data on variant occurrences in the general population are insufficient to allow any conclusion about variant significance. c.536C>T has been observed in the compound heterozygous state in at least one individual affected with Smith-Lemli-Opitz Syndrome (Yu_2000). These data do not allow any conclusion about variant significance. To our knowledge, no experimental evidence demonstrating an impact on protein function has been reported. The following publication have been ascertained in the context of this evaluation (PMID: 10814720). ClinVar contains an entry for this variant (Variation ID: 556433). Based on the evidence outlined above, the variant was classified as uncertain significance.

Counsyl
Classification: Uncertain significance for Smith-Lemli-Opitz syndrome. Last evaluated: 2018-02-05. Review status: no assertion criteria provided. Collection method: clinical testing. Allele origin: unknown. Not counted in ClinVar's aggregate classification.

Literature cited by the submitters: PubMed 10814720 (cited by Women's Health and Genetics/Laboratory Corporation of America, LabCorp and Counsyl).

NM_001360.3(DHCR7):c.536C>T (p.Pro179Leu)

Gene: DHCR7 (7-dehydrocholesterol reductase; minus strand). Cytogenetic location: 11q13.4.
Variant type: single nucleotide variant.
Coding change: c.536C>T on transcript NM_001360.3 (MANE Select); coding-DNA position 536, C replaced by T.
Protein change: p.Pro179Leu; replaces proline 179 with leucine.
Molecular consequence: missense variant.
Genome position (GRCh38, 1-based): chr11:71,441,317, G>A on the plus strand (C>T on the coding strand, the complement: DHCR7 is on the minus strand). VCF-style: chr11-71441317-G-A. GRCh37 (hg19) VCF-style: chr11-71152363-G-A.
Other names: c.536C>T, p.Pro179Leu (NM_001163817.2); short protein forms P179L.
Identifiers: ClinVar variation 556433 (VCV000556433.3), dbSNP rs1555146436, ClinGen allele CA381694471.